The following is an entry in ClinVar:

ClinVar aggregate classification (germline): Uncertain significance. Review status: criteria provided, multiple submitters, no conflicts (2 of 4 stars). 2 submissions from 2 submitters: Uncertain significance (2). Last evaluated 2024-09-25.

Conditions:
Arrhythmogenic right ventricular cardiomyopathy (ARVD). Also called: Arrhythmogenic right ventricular dysplasia; Cardiomyopathy, ARVC; Arrhythmogenic cardiomyopathy; Arrhythmogenic Right Ventricular Cardiomyopathy (ARVC). Identifiers: Orphanet 247, MedGen C0349788, MeSH D019571, MONDO:0016587. Disease mechanism: loss of function. Inheritance: Various modes of inheritance.
Cardiovascular phenotype. Identifiers: MedGen CN230736.

Submissions (2):

Ambry Genetics
Classification: Uncertain significance for Cardiovascular phenotype. Last evaluated: 2024-09-25. Review status: criteria provided, single submitter. Criteria: Ambry Variant Classification Scheme 2023. Collection method: clinical testing. Allele origin: germline.
Comment: The p.L588F variant (also known as c.1762C>T), located in coding exon 12 of the DSG2 gene, results from a C to T substitution at nucleotide position 1762. The leucine at codon 588 is replaced by phenylalanine, an amino acid with highly similar properties. This amino acid position is conserved. In addition, the in silico prediction for this alteration is inconclusive. Based on the available evidence, the clinical significance of this variant remains unclear.

All of Us Research Program, National Institutes of Health
Classification: Uncertain significance for Arrhythmogenic right ventricular cardiomyopathy. Last evaluated: 2024-01-11. Review status: criteria provided, single submitter. Criteria: ACMG Guidelines, 2015. Collection method: clinical testing. Allele origin: germline. Inheritance: Autosomal dominant inheritance. Observed: 2 variant alleles, 2 heterozygotes.
Comment: This missense variant replaces leucine with phenylalanine at codon 588 of the DSG2 protein. Computational prediction suggests that this variant may not impact protein structure and function (internally defined REVEL score threshold <= 0.5, PMID: 27666373). To our knowledge, functional studies have not been reported for this variant. This variant has not been reported in individuals affected with DSG2-related disorders in the literature. This variant has not been identified in the general population by the Genome Aggregation Database (gnomAD). The available evidence is insufficient to determine the role of this variant in disease conclusively. Therefore, this variant is classified as a Variant of Uncertain Significance.

This study involves interpretation of variants in research participants for the purpose of population health screening. Participant phenotype was not available at the time of variant classification. Additional details can be found in publication PMID: 35346344, PMCID: PMC8962531

NM_001943.5(DSG2):c.1762C>T (p.Leu588Phe)

Gene: DSG2 (desmoglein 2; plus strand). Cytogenetic location: 18q12.1.
Variant type: single nucleotide variant.
Coding change: c.1762C>T on transcript NM_001943.5 (MANE Select); coding-DNA position 1762, C replaced by T.
Protein change: p.Leu588Phe; replaces leucine 588 with phenylalanine.
Molecular consequence: missense variant.
Genome position (GRCh38, 1-based): chr18:31,538,861, C>T. VCF-style: chr18-31538861-C-T. GRCh37 (hg19) VCF-style: chr18-29118824-C-T.
Other names: short protein forms L588F.
Identifiers: ClinVar variation 3074549 (VCV003074549.2), dbSNP rs1278145047, ClinGen allele CA402137520.